The following is an entry in ClinVar:

ClinVar aggregate classification (germline): Benign (1 of 4 stars; one submission).

Allele frequency attached by ClinVar (database versions not stated): gnomAD exomes 0.01855; TOPMed 0.03080; gnomAD 0.03610 and 0.03649; 1000 Genomes Project 30x 0.04482; 1000 Genomes Project 0.04613.
gnomAD v4.1: 13,189 of 565,636 alleles (2.3%); highest among the groups gnomAD compares: African/African-American, 8.2%; 436 homozygotes.

Submission:

GeneDx
Classification: Benign. Last evaluated: 2018-06-16. Review status: criteria provided, single submitter. Criteria: GeneDx Variant Classification (06012015). Collection method: clinical testing. Allele origin: germline. Affected: yes.
Comment: This variant is considered likely benign or benign based on one or more of the following criteria: it is a conservative change, it occurs at a poorly conserved position in the protein, it is predicted to be benign by multiple in silico algorithms, and/or has population frequency not consistent with disease.

NM_001382391.1(CSPP1):c.2241+134C>T

Gene: CSPP1 (centrosome and spindle pole associated protein 1; plus strand). Cytogenetic location: 8q13.2.
Variant type: single nucleotide variant.
Coding change: c.2241+134C>T on transcript NM_001382391.1 (MANE Select); 134 bases into the intron after coding-DNA position 2241, C replaced by T.
Molecular consequence: intron variant.
Genome position (GRCh38, 1-based): chr8:67,154,270, C>T. VCF-style: chr8-67154270-C-T. GRCh37 (hg19) VCF-style: chr8-68066505-C-T.
Other names: c.2046+134C>T (NM_001363132.2); c.2160+134C>T (NM_001363131.2); c.1965+134C>T (NM_001363133.2); c.2307+134C>T (NM_001364869.1); c.2226+134C>T (NM_024790.7, NM_001438331.1); c.2073+134C>T (NM_001438330.1); c.2127+134C>T (NM_001364870.1); c.1542+134C>T (NM_001438332.1); and 1 more.
Identifiers: ClinVar variation 672885 (VCV000672885.1), dbSNP rs79233473, ClinGen allele CA178188181.
Genomic context (GRCh38, chr8:67,154,270, plus strand): 5'-GATAAATACTAAATTCTAAAATGCCATACTGTTATCTAAAATATCTAATTTATATCAGAT[C>T]AGATATCAGTAGTACAAAAGTTATTTCATTTCAAGGAAATAAACAGATGTATTAAGTATA-3'